The following is an entry in ClinVar:

ClinVar aggregate classification (germline): Pathogenic. Review status: criteria provided, multiple submitters, no conflicts (2 of 4 stars). 2 submissions from 2 submitters: Pathogenic (2). Last evaluated 2025-10-11.

Conditions:
KBG syndrome (KBGS). Also called: ANKRD11-Related KBG Syndrome. Identifiers: Orphanet 2332, MedGen C0220687, MONDO:0007846, OMIM 148050.

Submissions (2):

Labcorp Genetics (formerly Invitae), Labcorp
Classification: Pathogenic for KBG syndrome. Last evaluated: 2025-10-11. Review status: criteria provided, single submitter. Criteria: Invitae Variant Classification Sherloc (09022015). Collection method: clinical testing. Allele origin: germline.
Comment: This sequence change creates a premature translational stop signal (p.Thr2362Profs*39) in the ANKRD11 gene. It is expected to result in an absent or disrupted protein product. Loss-of-function variants in ANKRD11 are known to be pathogenic (PMID: 21782149, 25125236, 25413698, 25652421). This variant is not present in population databases (gnomAD no frequency). This premature translational stop signal has been observed in individual(s) with KBG syndrome (PMID: 36446582). For these reasons, this variant has been classified as Pathogenic.

Clinical Genetics Service, Universitary Hospital 12 de Octubre
Classification: Pathogenic for KBG syndrome. Review status: criteria provided, single submitter. Criteria: ACMG Guidelines, 2015. Collection method: clinical testing. Allele origin: germline. Affected: yes.

Literature cited by the submitters: PubMed 21782149 (cited by Labcorp Genetics (formerly Invitae), Labcorp); PubMed 25125236 (cited by Labcorp Genetics (formerly Invitae), Labcorp); PubMed 25413698 (cited by Labcorp Genetics (formerly Invitae), Labcorp); PubMed 25652421 (cited by Labcorp Genetics (formerly Invitae), Labcorp); PubMed 36446582 (cited by Labcorp Genetics (formerly Invitae), Labcorp).

NM_013275.6(ANKRD11):c.7083del (p.Thr2362fs)

Gene: ANKRD11 (ankyrin repeat domain 11; minus strand). Cytogenetic location: 16q24.3.
Variant type: Deletion.
Coding change: c.7083del on transcript NM_013275.6 (MANE Select); coding-DNA position 7083, one base deleted (C; older notation c.7083delC).
Protein change: p.Thr2362fs; shifts the reading frame from threonine 2362.
Molecular consequence: frameshift variant.
Genome position (GRCh38, 1-based): chr16:89,279,459, G deleted on the plus strand (C on the coding strand, the reverse complement: ANKRD11 is on the minus strand); the first of 5 consecutive G bases (chr16:89,279,459-89,279,463); deleting any one gives the same sequence. VCF-style (leftmost placement, unchanged base first): chr16-89279458-TG-T. GRCh37 (hg19) VCF-style: chr16-89345866-TG-T.
Other names: c.7083del, p.Thr2362fs (NM_001256182.2, NM_001256183.2); c.7083delC (NM_001256183.1); short protein forms T2362fs.
Identifiers: ClinVar variation 4710814 (VCV004710814.2).